The following is an entry in ClinVar:

NM_001105206.3(LAMA4):c.1994A>C (p.His665Pro)

Gene: LAMA4 (laminin subunit alpha 4; minus strand). Cytogenetic location: 6q21.
Variant type: single nucleotide variant.
Coding change: c.1994A>C on transcript NM_001105206.3 (MANE Select); coding-DNA position 1994, A replaced by C.
Protein change: p.His665Pro; replaces histidine 665 with proline.
Molecular consequence: missense variant.
Genome position (GRCh38, 1-based): chr6:112,154,913, T>G on the plus strand (A>C on the coding strand, the complement: LAMA4 is on the minus strand). VCF-style: chr6-112154913-T-G. GRCh37 (hg19) VCF-style: chr6-112476115-T-G.
Other names: c.1973A>C, p.His658Pro (NM_001105207.3, NM_002290.5); c.1973A>C (NM_002290.3); short protein forms H658P, H665P.
Identifiers: ClinVar variation 1367829 (VCV001367829.10), dbSNP rs781986112, ClinGen allele CA3965616.

ClinVar aggregate classification (germline): Uncertain significance. Review status: criteria provided, multiple submitters, no conflicts (2 of 4 stars). 3 submissions from 3 submitters: Uncertain significance (3). Last evaluated 2025-08-21.

Conditions:
Dilated cardiomyopathy 1JJ (CMD1JJ). Identifiers: Orphanet 154, MedGen C3808935, MONDO:0014095, OMIM 615235.
Cardiovascular phenotype. Identifiers: MedGen CN230736.

Allele frequency attached by ClinVar (database versions not stated): ExAC 0.00001; gnomAD 0.00001; gnomAD exomes 0.00001; TOPMed 0.00001.
gnomAD v4.1: 18 of 1,613,402 alleles (0.0011%); highest among the groups gnomAD compares: Non-Finnish European, 0.0015%; no homozygotes.

Submissions (4):

Ambry Genetics
Classification: Uncertain significance for Cardiovascular phenotype. Last evaluated: 2025-08-21. Review status: criteria provided, single submitter. Criteria: Ambry Variant Classification Scheme 2023. Collection method: clinical testing. Allele origin: germline.

Labcorp Genetics (formerly Invitae), Labcorp
Classification: Uncertain significance for Dilated cardiomyopathy 1JJ. Last evaluated: 2025-08-17. Review status: criteria provided, single submitter. Criteria: Invitae Variant Classification Sherloc (09022015). Collection method: clinical testing. Allele origin: germline.
Comment: This sequence change replaces histidine, which is basic and polar, with proline, which is neutral and non-polar, at codon 658 of the LAMA4 protein (p.His658Pro). This variant is present in population databases (rs781986112, gnomAD 0.002%). This variant has not been reported in the literature in individuals affected with LAMA4-related conditions. ClinVar contains an entry for this variant (Variation ID: 1367829). Invitae Evidence Modeling of protein sequence and biophysical properties (such as structural, functional, and spatial information, amino acid conservation, physicochemical variation, residue mobility, and thermodynamic stability) has been performed for this missense variant. However, the output from this modeling did not meet the statistical confidence thresholds required to predict the impact of this variant on LAMA4 protein function. In summary, the available evidence is currently insufficient to determine the role of this variant in disease. Therefore, it has been classified as a Variant of Uncertain Significance.

GeneDx
Classification: Uncertain significance. Last evaluated: 2024-03-06. Review status: criteria provided, single submitter. Criteria: GeneDx Variant Classification Process June 2021. Collection method: clinical testing. Allele origin: germline. Affected: yes.
Comment: Has not been previously published as pathogenic or benign to our knowledge; Not observed at significant frequency in large population cohorts (gnomAD); In silico analysis supports that this missense variant does not alter protein structure/function

Dr. Peter K. Rogan Lab, Western University
No classification provided (evidence only). Condition: Gastric cancer. Review status: no classification provided. Collection method: in vitro. Allele origin: not applicable. Functional consequence: retained intron. Not counted in ClinVar's aggregate classification.